The following is an entry in ClinVar:

NM_001042681.2(RERE):c.4562A>G (p.His1521Arg)

Gene: RERE (arginine-glutamic acid dipeptide repeats; minus strand). Cytogenetic location: 1p36.23.
Variant type: single nucleotide variant.
Coding change: c.4562A>G on transcript NM_001042681.2 (MANE Select); coding-DNA position 4562, A replaced by G.
Protein change: p.His1521Arg; replaces histidine 1521 with arginine.
Molecular consequence: missense variant.
Genome position (GRCh38, 1-based): chr1:8,355,524, T>C on the plus strand (A>G on the coding strand, the complement: RERE is on the minus strand). VCF-style: chr1-8355524-T-C. GRCh37 (hg19) VCF-style: chr1-8415584-T-C.
Other names: c.2900A>G, p.His967Arg (NM_001042682.2); c.4562A>G, p.His1521Arg (NM_012102.4); short protein forms H1521R, H967R.
Identifiers: ClinVar variation 2578290 (VCV002578290.1), dbSNP rs1313492554, ClinGen allele CA338168217.

ClinVar aggregate classification (germline): Uncertain significance (1 of 4 stars; one submission).

Allele frequency attached by ClinVar (database versions not stated): gnomAD exomes below 0.00001.
gnomAD v4.1: 1 of 1,609,736 alleles (0.000062%); highest among the groups gnomAD compares: Admixed American, 0.0017%; no homozygotes.

Submission:

GeneDx
Classification: Uncertain significance. Last evaluated: 2023-03-02. Review status: criteria provided, single submitter. Criteria: GeneDx Variant Classification Process June 2021. Collection method: clinical testing. Allele origin: germline. Affected: yes.
Comment: In silico analysis supports that this missense variant has a deleterious effect on protein structure/function; Has not been previously published as pathogenic or benign to our knowledge